The following is an entry in ClinVar:

ClinVar aggregate classification (germline): Uncertain significance (1 of 4 stars; one submission).

Conditions:
Hyperornithinemia-hyperammonemia-homocitrullinuria syndrome (HHHS). Also called: Ornithine translocase deficiency; HHH SYNDROME. Identifiers: Orphanet 415, MedGen C0268540, MONDO:0009393, OMIM 238970.

Allele frequency attached by ClinVar (database versions not stated): ExAC 0.00001; gnomAD 0.00001; gnomAD exomes 0.00001; TOPMed 0.00002.
gnomAD v4.1: 11 of 1,613,980 alleles (0.00068%); highest among the groups gnomAD compares: African/African-American, 0.0013%; no homozygotes.

Submission:

Labcorp Genetics (formerly Invitae), Labcorp
Classification: Uncertain significance for Hyperornithinemia-hyperammonemia-homocitrullinuria syndrome. Last evaluated: 2022-04-04. Review status: criteria provided, single submitter. Criteria: Invitae Variant Classification Sherloc (09022015). Collection method: clinical testing. Allele origin: germline.
Comment: This sequence change replaces alanine, which is neutral and non-polar, with proline, which is neutral and non-polar, at codon 6 of the SLC25A15 protein (p.Ala6Pro). This variant is present in population databases (rs781526529, gnomAD 0.004%). This variant has not been reported in the literature in individuals affected with SLC25A15-related conditions. Algorithms developed to predict the effect of missense changes on protein structure and function are either unavailable or do not agree on the potential impact of this missense change (SIFT: "Tolerated"; PolyPhen-2: "Possibly Damaging"; Align-GVGD: "Class C0"). In summary, the available evidence is currently insufficient to determine the role of this variant in disease. Therefore, it has been classified as a Variant of Uncertain Significance.

NM_014252.4(SLC25A15):c.16G>C (p.Ala6Pro)

Gene: SLC25A15 (solute carrier family 25 member 15; plus strand). Cytogenetic location: 13q14.11.
Variant type: single nucleotide variant.
Coding change: c.16G>C on transcript NM_014252.4 (MANE Select); coding-DNA position 16, G replaced by C.
Protein change: p.Ala6Pro; replaces alanine 6 with proline.
Molecular consequence: missense variant.
Genome position (GRCh38, 1-based): chr13:40,793,242, G>C. VCF-style: chr13-40793242-G-C. GRCh37 (hg19) VCF-style: chr13-41367378-G-C.
Other names: short protein forms A6P.
Identifiers: ClinVar variation 2416896 (VCV002416896.3), dbSNP rs781526529, ClinGen allele CA6959590.